The following is an entry in ClinVar:

ClinVar aggregate classification (germline): Uncertain significance (1 of 4 stars; one submission).

Allele frequency attached by ClinVar (database versions not stated): TOPMed below 0.00001.

Submission:

Labcorp Genetics (formerly Invitae), Labcorp
Classification: Uncertain significance. Last evaluated: 2024-10-21. Review status: criteria provided, single submitter. Criteria: Invitae Variant Classification Sherloc (09022015). Collection method: clinical testing. Allele origin: germline.
Comment: This sequence change falls in intron 12 of the WDR11 gene. It does not directly change the encoded amino acid sequence of the WDR11 protein. This variant is not present in population databases (gnomAD no frequency). This variant has not been reported in the literature in individuals affected with WDR11-related conditions. Algorithms developed to predict the effect of sequence changes on RNA splicing suggest that this variant may disrupt the consensus splice site. In summary, the available evidence is currently insufficient to determine the role of this variant in disease. Therefore, it has been classified as a Variant of Uncertain Significance.

NM_018117.12(WDR11):c.1664-16A>G

Gene: WDR11 (WD repeat domain 11; plus strand). Cytogenetic location: 10q26.12.
Variant type: single nucleotide variant.
Coding change: c.1664-16A>G on transcript NM_018117.12 (MANE Select); 16 bases into the intron before coding-DNA position 1664, A replaced by G.
Molecular consequence: intron variant.
Genome position (GRCh38, 1-based): chr10:120,880,810, A>G. VCF-style: chr10-120880810-A-G. GRCh37 (hg19) VCF-style: chr10-122640322-A-G.
Identifiers: ClinVar variation 2854796 (VCV002854796.3), dbSNP rs1251829100, ClinGen allele CA660760050.